The following is an entry in ClinVar:

NM_020964.3(EPG5):c.3083C>G (p.Thr1028Arg)

Gene: EPG5 (ectopic P-granules 5 autophagy tethering factor; minus strand). Cytogenetic location: 18q21.1.
Variant type: single nucleotide variant.
Coding change: c.3083C>G on transcript NM_020964.3 (MANE Select); coding-DNA position 3083, C replaced by G.
Protein change: p.Thr1028Arg; replaces threonine 1028 with arginine.
Molecular consequence: missense variant.
Genome position (GRCh38, 1-based): chr18:45,922,356, G>C on the plus strand (C>G on the coding strand, the complement: EPG5 is on the minus strand). VCF-style: chr18-45922356-G-C. GRCh37 (hg19) VCF-style: chr18-43502322-G-C.
Other names: short protein forms T1028R.
Identifiers: ClinVar variation 970645 (VCV000970645.8), dbSNP rs2050174462, ClinGen allele CA402344000.

ClinVar aggregate classification (germline): Uncertain significance (1 of 4 stars; one submission).

Conditions:
Vici syndrome (VICIS). Identifiers: Orphanet 1493, MedGen C1855772, MONDO:0009452, OMIM 242840.

Allele frequency attached by ClinVar (database versions not stated): TOPMed below 0.00001.

Submission:

Labcorp Genetics (formerly Invitae), Labcorp
Classification: Uncertain significance for Vici syndrome. Last evaluated: 2021-09-01. Review status: criteria provided, single submitter. Criteria: Invitae Variant Classification Sherloc (09022015). Collection method: clinical testing. Allele origin: germline.
Comment: This sequence change replaces threonine with arginine at codon 1028 of the EPG5 protein (p.Thr1028Arg). The threonine residue is moderately conserved and there is a moderate physicochemical difference between threonine and arginine. This variant is not present in population databases (ExAC no frequency). This variant has not been reported in the literature in individuals affected with EPG5-related conditions. Algorithms developed to predict the effect of missense changes on protein structure and function are either unavailable or do not agree on the potential impact of this missense change (SIFT: "Deleterious"; PolyPhen-2: "Probably Damaging"; Align-GVGD: "Class C0"). In summary, the available evidence is currently insufficient to determine the role of this variant in disease. Therefore, it has been classified as a Variant of Uncertain Significance.